The following is an entry in ClinVar:

ClinVar aggregate classification (germline): Uncertain significance (1 of 4 stars; one submission).

Conditions:
Early-infantile DEE. Also called: Ohtahara syndrome; Early infantile epileptic encephalopathy; Early infantile epileptic encephalopathy with suppression bursts. Identifiers: Orphanet 1934, MedGen C0393706, MONDO:0800491.

Allele frequency attached by ClinVar (database versions not stated): gnomAD 0.00006; TOPMed 0.00009.
gnomAD v4.1: 9 of 151,302 alleles (0.0059%); highest among the groups gnomAD compares: African/African-American, 0.022%; no homozygotes.

Submission:

Labcorp Genetics (formerly Invitae), Labcorp
Classification: Uncertain significance for Early-infantile DEE. Last evaluated: 2025-10-01. Review status: criteria provided, single submitter. Criteria: Invitae Variant Classification Sherloc (09022015). Collection method: clinical testing. Allele origin: germline.
Comment: This sequence change falls in intron 20 of the SCN1A gene. It does not directly change the encoded amino acid sequence of the SCN1A protein. However, this sequence change falls within a region encompassing a cryptic exon in the SCN1A gene, in which variants have been shown to alter splicing (PMID: 30526861, 34107977). This variant is present in population databases (no rsID available, gnomAD 0.05%). This variant has not been reported in the literature in individuals affected with SCN1A-related conditions. ClinVar contains an entry for this variant (Variation ID: 1669517). Algorithms developed to predict the effect of sequence changes on RNA splicing suggest that this variant is not likely to affect RNA splicing. In summary, the available evidence is currently insufficient to determine the role of this variant in disease. Therefore, it has been classified as a Variant of Uncertain Significance.

Literature cited by the submitters: PubMed 30526861; PubMed 34107977.

NM_001165963.4(SCN1A):c.4002+2247A>C

Genes: SCN1A (sodium voltage-gated channel alpha subunit 1; minus strand), LOC102724058 (uncharacterized LOC102724058; plus strand). Cytogenetic location: 2q24.3.
Variant type: single nucleotide variant.
Coding change: c.4002+2247A>C on transcript NM_001165963.4 (MANE Select); 2247 bases into the intron after coding-DNA position 4002, A replaced by C.
Molecular consequence: intron variant.
Genome position (GRCh38, 1-based): chr2:166,007,472, T>G on the plus strand (A>C on the coding strand, the complement: SCN1A is on the minus strand). VCF-style: chr2-166007472-T-G. GRCh37 (hg19) VCF-style: chr2-166863982-T-G.
Other names: c.3969+2247A>C (NM_001353949.2, NM_001353950.2, NM_001353951.2 and 2 more transcripts); c.3918+2247A>C (NM_001353958.2, NM_001353957.2, NM_001165964.3); c.4002+2247A>C (NM_001202435.3, NM_001353948.2); c.3966+2247A>C (NM_001353955.2, NM_001353954.2); c.3915+2247A>C (NM_001353960.2); c.1560+2247A>C (NM_001353961.2).
Identifiers: ClinVar variation 1669517 (VCV001669517.9), dbSNP rs920922978, ClinGen allele CA59771635.